The following is an entry in ClinVar:

NM_016151.4(TAOK2):c.3404G>C (p.Arg1135Pro)

Gene: TAOK2 (TAO kinase 2; plus strand). Cytogenetic location: 16p11.2.
Variant type: single nucleotide variant.
Coding change: c.3404G>C on transcript NM_016151.4 (MANE Select); coding-DNA position 3404, G replaced by C.
Protein change: p.Arg1135Pro; replaces arginine 1135 with proline.
Molecular consequence: missense variant. On other transcripts: intron variant (1).
Genome position (GRCh38, 1-based): chr16:29,987,676, G>C. VCF-style: chr16-29987676-G-C. GRCh37 (hg19) VCF-style: chr16-29998997-G-C.
Other names: c.3065G>C, p.Arg1022Pro (NM_001252043.2); c.2232+1172G>C (NM_004783.4); short protein forms R1135P, R1022P.
Identifiers: ClinVar variation 2839643 (VCV002839643.3), dbSNP rs374855838, ClinGen allele CA395500605.

ClinVar aggregate classification (germline): Uncertain significance (1 of 4 stars; one submission).

Submission:

Labcorp Genetics (formerly Invitae), Labcorp
Classification: Uncertain significance. Last evaluated: 2023-09-04. Review status: criteria provided, single submitter. Criteria: Invitae Variant Classification Sherloc (09022015). Collection method: clinical testing. Allele origin: germline.
Comment: In summary, the available evidence is currently insufficient to determine the role of this variant in disease. Therefore, it has been classified as a Variant of Uncertain Significance. An algorithm developed to predict the effect of missense changes on protein structure and function (PolyPhen-2) suggests that this variant is likely to be tolerated. This variant has not been reported in the literature in individuals affected with TAOK2-related conditions. This variant is not present in population databases (gnomAD no frequency). This sequence change replaces arginine, which is basic and polar, with proline, which is neutral and non-polar, at codon 1135 of the TAOK2 protein (p.Arg1135Pro).